The following is an entry in ClinVar:

ClinVar aggregate classification (germline): Uncertain significance (1 of 4 stars; one submission).

Conditions:
Cardiomyopathy (CMYO). Also called: Cardiomyopathies. Identifiers: Orphanet 167848, MedGen C0878544, MONDO:0004994, HP:0001638. Inheritance: Various modes of inheritance.

Allele frequency attached by ClinVar (database versions not stated): gnomAD exomes below 0.00001.
gnomAD v4.1: 1 of 1,613,836 alleles (0.000062%); highest among the groups gnomAD compares: Non-Finnish European, 0.000085%; no homozygotes.

Submission:

Color Diagnostics, LLC DBA Color Health
Classification: Uncertain significance for Cardiomyopathy. Last evaluated: 2024-03-06. Review status: criteria provided, single submitter. Criteria: ACMG Guidelines, 2015. Collection method: clinical testing. Allele origin: germline.
Comment: This missense variant replaces glycine with aspartic acid at codon 1019 of the RYR2 protein. Computational prediction suggests that this variant may have deleterious impact on protein structure and function (internally defined REVEL score threshold >= 0.7, PMID: 27666373). Splice site prediction tools suggest that this variant may not impact RNA splicing. To our knowledge, functional studies have not been performed for this variant. This variant has not been reported in individuals affected with cardiovascular disorders in the literature. This variant has not been identified in the general population by the Genome Aggregation Database (gnomAD). The available evidence is insufficient to determine the role of this variant in disease conclusively. Therefore, this variant is classified as a Variant of Uncertain Significance.

NM_001035.3(RYR2):c.3056G>A (p.Gly1019Asp)

Gene: RYR2 (ryanodine receptor 2; plus strand). Cytogenetic location: 1q43.
Variant type: single nucleotide variant.
Coding change: c.3056G>A on transcript NM_001035.3 (MANE Select); coding-DNA position 3056, G replaced by A.
Protein change: p.Gly1019Asp; replaces glycine 1019 with aspartic acid.
Molecular consequence: missense variant.
Genome position (GRCh38, 1-based): chr1:237,548,580, G>A. VCF-style: chr1-237548580-G-A. GRCh37 (hg19) VCF-style: chr1-237711880-G-A.
Other names: short protein forms G1019D.
Identifiers: ClinVar variation 921557 (VCV000921557.4), dbSNP rs768150796, ClinGen allele CA39810951.
Genomic context (GRCh38, chr1:237,548,580, plus strand): 5'-TGGCAGAAAATGCACATAATGTGTGGGCGCGGGATCGAATCCGGCAGGGCTGGACTTATG[G>A]CATCCAACAGGTACATGGGAATTAGCATTTGGTCTGAGACTTACTTAAGTGGGAATTAGC-3'
Protein context (NP_001026.2, residues 1009-1029): RDRIRQGWTY[Gly1019Asp]IQQDVKNRRN